The following is an entry in ClinVar:

NM_002485.5(NBN):c.1999T>C (p.Ser667Pro)

Gene: NBN (nibrin; minus strand). Cytogenetic location: 8q21.3.
Variant type: single nucleotide variant.
Coding change: c.1999T>C on transcript NM_002485.5 (MANE Select); coding-DNA position 1999, T replaced by C.
Protein change: p.Ser667Pro; replaces serine 667 with proline.
Molecular consequence: missense variant.
Genome position (GRCh38, 1-based): chr8:89,946,211, A>G on the plus strand (T>C on the coding strand, the complement: NBN is on the minus strand). VCF-style: chr8-89946211-A-G. GRCh37 (hg19) VCF-style: chr8-90958439-A-G.
Other names: p.S667P:TCT>CCT; c.1753T>C, p.Ser585Pro (NM_001024688.3); short protein forms S667P, S585P.
Identifiers: ClinVar variation 127863 (VCV000127863.76), dbSNP rs587780091, ClinGen allele CA287913.

ClinVar aggregate classification (germline): Conflicting classifications of pathogenicity. Review status: criteria provided, conflicting classifications (1 of 4 stars). 14 submissions from 14 submitters: Uncertain significance (8); Likely benign (3). 3 of the submissions do not count toward it. Last evaluated 2025-07-13.

Conditions:
NBN-related disorder. Also called: NBN-related condition.
Acute lymphoid leukemia (ALL). Also called: Leukemia, acute lymphoblastic, somatic; Acute lymphoblastic leukemia; Acute lymphocytic leukemia; Lymphoblastic leukemia. Identifiers: Orphanet 513, MedGen C0023449, MONDO:0004967, OMIM 613065, HP:0006721.
Aplastic anemia. Identifiers: Orphanet 182040, Orphanet 88, MedGen C0002874, MONDO:0015909, OMIM 609135, HP:0001915.
Microcephaly, normal intelligence and immunodeficiency (NBS). Also called: Immunodeficiency, microcephaly with normal intelligence; Ataxia telangiectasia variant V1; IMMUNODEFICIENCY, MICROCEPHALY, AND CHROMOSOMAL INSTABILITY; SEEMANOVA SYNDROME II; Nijmegen breakage syndrome; Microcephaly with normal intelligence immunodeficiency and lymphoreticular malignancies. Identifiers: Orphanet 647, MedGen C0398791, MONDO:0009623, OMIM 251260.
Hereditary cancer-predisposing syndrome. Also called: Tumor predisposition; Hereditary neoplastic syndrome; Neoplastic Syndromes, Hereditary; Hereditary Cancer Syndrome. Identifiers: Orphanet 140162, MedGen C0027672, MeSH D009386, MONDO:0015356.
Hereditary breast ovarian cancer syndrome. Also called: Hereditary breast and ovarian cancer syndrome (HBOC); Hereditary breast and ovarian cancer; Hereditary breast and ovarian cancer syndrome; Breast and ovarian cancer; Hereditary breast and/or ovarian cancer syndrome; BRCA1- and BRCA2-Associated Hereditary Breast and Ovarian Cancer. Identifiers: Orphanet 145, MedGen C0677776, MeSH D061325, MONDO:0003582. Disease mechanism: loss of function.

Allele frequency attached by ClinVar (database versions not stated): gnomAD exomes 0.00009; gnomAD 0.00015 and 0.00018; TOPMed 0.00025.
gnomAD v4.1: 158 of 1,599,276 alleles (0.0099%); highest among the groups gnomAD compares: Admixed American, 0.05%; no homozygotes.

Submissions (14):

Laboratorio de I+D, Fundación Centro Médico de Asturias
Classification: Likely benign for Hereditary breast ovarian cancer syndrome. Last evaluated: 2025-07-13. Review status: criteria provided, single submitter. Criteria: ACMG Guidelines, 2015. Collection method: clinical testing. Allele origin: germline. Affected: yes.
Comment: BP4_Strong+BP1+PM2_Supporting

Quest Diagnostics Nichols Institute San Juan Capistrano
Classification: Uncertain significance. Last evaluated: 2025-04-17. Review status: criteria provided, single submitter. Criteria: Quest Diagnostics criteria. Collection method: clinical testing. Allele origin: unknown.
Comment: The NBN c.1999T>C (p.Ser667Pro) variant has been reported in the published literature in individuals with breast cancer (PMID: 31206626 (2019), 32936981 (2021), 33471991 (2021) see also LOVD), ovarian cancer (PMID: 26315354 (2015)), colorectal cancer (PMID: 29596542 (2018)), prostate cancer (PMID: 29659569 (2018)), other unspecified cancer types (PMID: 36346689 (2023)), and an individual that met clinical criteria for Lynch Syndrome (PMID: 30256826 (2018)). Additionally, this variant has been seen in reportedly unaffected individuals (PMID: 26315354 (2015), 33471991 (2021) see also LOVD, 36243179 (2022)). The frequency of this variant in the general population (Genome Aggregation Database) is uninformative in the assessment of its pathogenicity. Analysis of this variant using bioinformatics tools for the prediction of the effect of amino acid changes on protein structure and function yielded predictions that this variant is benign. Based on the available information, we are unable to determine the clinical significance of this variant.

Ambry Genetics
Classification: Likely benign for Hereditary cancer-predisposing syndrome. Last evaluated: 2024-07-22. Review status: criteria provided, single submitter. Criteria: Ambry Variant Classification Scheme 2023. Collection method: clinical testing. Allele origin: germline.

GeneDx
Classification: Uncertain significance. Last evaluated: 2024-03-06. Review status: criteria provided, single submitter. Criteria: GeneDx Variant Classification Process June 2021. Collection method: clinical testing. Allele origin: germline. Affected: yes.
Comment: In silico analysis supports that this missense variant does not alter protein structure/function; Observed in individuals with ovarian, colon, and prostate cancer (PMID: 26315354, 29596542, 30256826, 29659569); This variant is associated with the following publications: (PMID: 30256826, 26315354, 29596542, 29659569, 32936981, 33471991, 36243179, 31206626, 36346689, 35245693)

Labcorp Genetics (formerly Invitae), Labcorp
Classification: Uncertain significance for Microcephaly, normal intelligence and immunodeficiency. Last evaluated: 2024-01-09. Review status: criteria provided, single submitter. Criteria: Invitae Variant Classification Sherloc (09022015). Collection method: clinical testing. Allele origin: germline.
Comment: This sequence change replaces serine, which is neutral and polar, with proline, which is neutral and non-polar, at codon 667 of the NBN protein (p.Ser667Pro). This variant is present in population databases (rs587780091, gnomAD 0.01%). This missense change has been observed in individual(s) with breast cancer, colorectal cancer, ovarian cancer, and/or prostate cancer (PMID: 26315354, 29596542, 29659569, 30256826, 31206626, 35245693). ClinVar contains an entry for this variant (Variation ID: 127863). Algorithms developed to predict the effect of missense changes on protein structure and function output the following: SIFT: "Not Available"; PolyPhen-2: "Benign"; Align-GVGD: "Not Available". The proline amino acid residue is found in multiple mammalian species, which suggests that this missense change does not adversely affect protein function. In summary, the available evidence is currently insufficient to determine the role of this variant in disease. Therefore, it has been classified as a Variant of Uncertain Significance.

Women's Health and Genetics/Laboratory Corporation of America, LabCorp
Classification: Uncertain significance. Last evaluated: 2023-10-05. Review status: criteria provided, single submitter. Criteria: LabCorp Variant Classification Summary - May 2015. Collection method: clinical testing. Allele origin: germline.
Comment: Variant summary: NBN c.1999T>C (p.Ser667Pro) results in a non-conservative amino acid change in the encoded protein sequence. Four of five in-silico tools predict a benign effect of the variant on protein function. The variant allele was found at a frequency of 5.6e-05 in 251130 control chromosomes (gnomAD). This frequency is not significantly higher than expected for a pathogenic variant in NBN causing Nijmegen Breakage Syndrome (5.6e-05 vs 0.0025), allowing no conclusion about variant significance. c.1999T>C has been reported in the literature as a VUS in settings of multigene panel testing in individuals with cancers such as breast and ovarian (e.g., Ramus_2015, Weitzel_2019, Castillo-Guardiola_2022), colorectal (e.g., Hampel_2018, Martin-Morales_2018), and prostate (e.g., Paulo_2018) and in unaffected controls (e.g., Ramus_2015). These report(s) do not provide unequivocal conclusions about association of the variant with Nijmegen Breakage Syndrome and/or NBN-related cancers. To our knowledge, no experimental evidence demonstrating an impact on protein function has been reported. The following publications have been ascertained in the context of this evaluation (PMID: 29596542, 26315354, 31206626, 35245693, 30256826, 29659569, 36346689). Twelve submitters have reported clinical-significance assessments for this variant to ClinVar after 2014. Multiple submitters reported the variant with conflicting assessments (VUS, n = 10; likely benign, n = 2). Based on the evidence outlined above, the variant was classified as uncertain significance.

Sema4
Classification: Uncertain significance for Hereditary cancer-predisposing syndrome. Last evaluated: 2021-12-23. Review status: criteria provided, single submitter. Criteria: Sema4 Curation Guidelines. Collection method: curation. Allele origin: germline.
Comment: The NBN c.1999T>C (p.S667P) variant has been reported in at least two individuals with breast cancer and in at least three individuals with invasive epithelial ovarian cancer (PMID: 31206626, 26315354). It has been reported in a large case-control study of breast cancer in 4/60466 cases and 6/53461 controls (PMID: 33471991). It was observed in 6/35408 chromosomes in the Latino subpopulation in the large and broad cohorts of the Genome Aggregation Database (PMID: 32461654). The variant has been reported in ClinVar (Variation ID: 127863). In silico tools suggest the impact of the variant on protein function is benign, though these predictions have not been confirmed by functional studies. The evidence is insufficient to meet ACMG/AMP criteria for classifying the variant as benign or pathogenic. Thus, the clinical significance of this variant is currently uncertain.

Genome-Nilou Lab
Classification: Uncertain significance for Microcephaly, normal intelligence and immunodeficiency. Last evaluated: 2021-11-07. Review status: criteria provided, single submitter. Criteria: ACMG Guidelines, 2015. Collection method: clinical testing. Allele origin: germline. Affected: no.

CeGaT Center for Human Genetics Tuebingen
Classification: Likely benign. Last evaluated: 2021-05-01. Review status: criteria provided, single submitter. Criteria: CeGaT Center For Human Genetics Tuebingen Variant Classification Criteria Version 2. Collection method: clinical testing. Allele origin: germline. Affected: yes. Observed: 1 variant allele.

Baylor Genetics
Classification: Uncertain significance for Aplastic anemia. Last evaluated: 2019-02-11. Review status: criteria provided, single submitter. Criteria: ACMG Guidelines, 2015. Collection method: clinical testing. Allele origin: maternal. Affected: yes.
Comment: This variant was determined to be of uncertain significance according to ACMG Guidelines, 2015 [PMID:25741868].

Fulgent Genetics
Classification: Uncertain significance for Microcephaly, normal intelligence and immunodeficiency; Aplastic anemia; Acute lymphoid leukemia. Last evaluated: 2017-05-23. Review status: criteria provided, single submitter. Criteria: ACMG Guidelines, 2015. Collection method: clinical testing. Allele origin: unknown.

PreventionGenetics, part of Exact Sciences
Classification: Uncertain significance for NBN-related condition. Last evaluated: 2023-12-20. Review status: no assertion criteria provided. Collection method: clinical testing. Allele origin: germline. Not counted in ClinVar's aggregate classification.
Comment: The NBN c.1999T>C variant is predicted to result in the amino acid substitution p.Ser667Pro. This variant has been reported in individuals with ovarian cancer and controls at approximately equal frequency (Ramus et al. 2015. PubMed ID: 26315354. Table S4). It has also been reported in individuals with colorectal cancer and interpreted as uncertain significance ( eTable 2, Hampel et al. 2018. PubMed ID: 29596542; Martin-Morales et al. 2018. PubMed ID: 30256826). This variant was also observed in the controls cohort at a carrier frequency of 0.001% but not in the cases cohort in a large study of hereditary cancer variants (Table S2, Okawa et al. 2023. PubMed ID: 36243179). This variant is reported in 0.017% of alleles in individuals of Latino descent in gnomAD and has conflicting interpretations of likely benign and uncertain significance in ClinVar. At this time, the clinical significance of this variant is uncertain due to the absence of conclusive functional and genetic evidence.

Natera, Inc.
Classification: Uncertain significance for Nijmegen breakage syndrome. Last evaluated: 2020-03-11. Review status: no assertion criteria provided. Collection method: clinical testing. Allele origin: germline. Not counted in ClinVar's aggregate classification.

Counsyl
Classification: Uncertain significance for Microcephaly, normal intelligence and immunodeficiency. Last evaluated: 2017-09-19. Review status: no assertion criteria provided. Collection method: clinical testing. Allele origin: unknown. Not counted in ClinVar's aggregate classification.

Literature cited by the submitters: PubMed 30256826 (cited by 4 submitters); PubMed 33471991 (cited by Quest Diagnostics Nichols Institute San Juan Capistrano and Sema4); PubMed 29659569 (cited by 3 submitters); PubMed 32936981 (cited by Quest Diagnostics Nichols Institute San Juan Capistrano); PubMed 36346689 (cited by Quest Diagnostics Nichols Institute San Juan Capistrano and Women's Health and Genetics/Laboratory Corporation of America, LabCorp); PubMed 31206626 (cited by 5 submitters); PubMed 36243179 (cited by Quest Diagnostics Nichols Institute San Juan Capistrano); PubMed 26315354 (cited by 5 submitters); PubMed 29596542 (cited by 4 submitters); PubMed 35245693 (cited by Labcorp Genetics (formerly Invitae), Labcorp and Women's Health and Genetics/Laboratory Corporation of America, LabCorp).